The following is an entry in ClinVar:

ClinVar aggregate classification (germline): Uncertain significance. Review status: criteria provided, multiple submitters, no conflicts (2 of 4 stars). 4 submissions from 4 submitters: Uncertain significance (4). Last evaluated 2025-10-21.

Conditions:
Hypercholesterolemia, familial, 4 (FHCL4). Also called: HYPERCHOLESTEROLEMIA, AUTOSOMAL RECESSIVE, 1; HYPERCHOLESTEROLEMIA, AUTOSOMAL RECESSIVE, 2. Identifiers: Orphanet 391665, MedGen C1863512, MONDO:0011374, OMIM 603813.

Allele frequency attached by ClinVar (database versions not stated): gnomAD 0.00005.
gnomAD v4.1: 65 of 1,613,668 alleles (0.004%); highest among the groups gnomAD compares: Admixed American, 0.0067%; no homozygotes.

Submissions (4):

Women's Health and Genetics/Laboratory Corporation of America, LabCorp
Classification: Uncertain significance. Last evaluated: 2025-10-21. Review status: criteria provided, single submitter. Criteria: LabCorp Variant Classification Summary - May 2015. Collection method: clinical testing. Allele origin: germline.
Comment: Variant summary: LDLRAP1 c.602C>G (p.Pro201Arg) results in a non-conservative amino acid change in the encoded protein sequence. Algorithms developed to predict the effect of missense changes on protein structure and function are either unavailable or do not agree on the potential impact of this missense change. The variant allele was found at a frequency of 7.2e-05 in 250896 control chromosomes (gnomAD). This frequency is not significantly higher than estimated for disease-causing variants in LDLRAP1, allowing no conclusion about variant significance. c.602C>G has been reported in the literature in at least one individual affected with acute coronary syndrome (Amor-Salamanca_2017) without evidence for causality. The report does not provide unequivocal conclusions about association of the variant with Familial Hypercholesterolemia. To our knowledge, no experimental evidence demonstrating an impact on protein function has been reported. The following publication have been ascertained in the context of this evaluation (PMID: 28958330). ClinVar contains an entry for this variant (Variation ID: 2050120). Based on the evidence outlined above, the variant was classified as uncertain significance.

GeneDx
Classification: Uncertain significance. Last evaluated: 2024-06-04. Review status: criteria provided, single submitter. Criteria: GeneDx Variant Classification Process June 2021. Collection method: clinical testing. Allele origin: germline. Affected: yes.
Comment: In silico analysis indicates that this missense variant does not alter protein structure/function; Has not been previously published as pathogenic or benign to our knowledge

Genome-Nilou Lab
Classification: Uncertain significance for Hypercholesterolemia, familial, 4. Last evaluated: 2023-04-11. Review status: criteria provided, single submitter. Criteria: ACMG Guidelines, 2015. Collection method: clinical testing. Allele origin: germline. Affected: no.

Labcorp Genetics (formerly Invitae), Labcorp
Classification: Uncertain significance for Hypercholesterolemia, familial, 4. Last evaluated: 2022-02-05. Review status: criteria provided, single submitter. Criteria: Invitae Variant Classification Sherloc (09022015). Collection method: clinical testing. Allele origin: germline.
Comment: This sequence change replaces proline, which is neutral and non-polar, with arginine, which is basic and polar, at codon 201 of the LDLRAP1 protein (p.Pro201Arg). This variant is present in population databases (rs763453548, gnomAD 0.1%). This variant has not been reported in the literature in individuals affected with LDLRAP1-related conditions. Algorithms developed to predict the effect of missense changes on protein structure and function (SIFT, PolyPhen-2, Align-GVGD) all suggest that this variant is likely to be tolerated. In summary, the available evidence is currently insufficient to determine the role of this variant in disease. Therefore, it has been classified as a Variant of Uncertain Significance.

Literature cited by the submitters: PubMed 28958330 (cited by Women's Health and Genetics/Laboratory Corporation of America, LabCorp).

NM_015627.3(LDLRAP1):c.602C>G (p.Pro201Arg)

Gene: LDLRAP1 (low density lipoprotein receptor adaptor protein 1; plus strand). Cytogenetic location: 1p36.11.
Variant type: single nucleotide variant.
Coding change: c.602C>G on transcript NM_015627.3 (MANE Select); coding-DNA position 602, C replaced by G.
Protein change: p.Pro201Arg; replaces proline 201 with arginine.
Molecular consequence: missense variant.
Genome position (GRCh38, 1-based): chr1:25,563,139, C>G. VCF-style: chr1-25563139-C-G. GRCh37 (hg19) VCF-style: chr1-25889630-C-G.
Other names: short protein forms P201R.
Identifiers: ClinVar variation 2050120 (VCV002050120.5), dbSNP rs763453548, ClinGen allele CA695642.